The following is an entry in ClinVar:

ClinVar aggregate classification (germline): Uncertain significance (1 of 4 stars; one submission).

Conditions:
BBS9-related disorder. Also called: BBS9-related condition.

gnomAD v4.1: 1 of 1,613,574 alleles (0.000062%); highest among the groups gnomAD compares: African/African-American, 0.0013%; no homozygotes.

Submission:

PreventionGenetics, part of Exact Sciences
Classification: Uncertain significance for BBS9-related condition. Last evaluated: 2025-06-25. Review status: criteria provided, single submitter. Criteria: ACMG Guidelines, 2015. Collection method: clinical testing. Allele origin: germline.
Comment: The BBS9 c.605T>C variant is predicted to result in the amino acid substitution p.Val202Ala. To our knowledge, this variant has not been reported in the literature or in a large population database (gnomAD), indicating this variant is rare. At this time, the clinical significance of this variant is uncertain due to the absence of conclusive functional and genetic evidence.

NM_198428.3(BBS9):c.605T>C (p.Val202Ala)

Gene: BBS9 (Bardet-Biedl syndrome 9; plus strand). Cytogenetic location: 7p14.3.
Variant type: single nucleotide variant.
Coding change: c.605T>C on transcript NM_198428.3 (MANE Select); coding-DNA position 605, T replaced by C.
Protein change: p.Val202Ala; replaces valine 202 with alanine.
Molecular consequence: missense variant. On other transcripts: non-coding transcript variant (3).
Genome position (GRCh38, 1-based): chr7:33,257,398, T>C. VCF-style: chr7-33257398-T-C. GRCh37 (hg19) VCF-style: chr7-33297010-T-C.
Other names: c.605T>C, p.Val202Ala (NM_001033604.2, NM_001033605.2, NM_001348036.1 and 5 more transcripts); c.239T>C, p.Val80Ala (NM_001348037.3, NM_001348044.3, NM_001348045.3 and 1 more transcripts); c.332T>C, p.Val111Ala (NM_001348038.3, NM_001348039.3); c.470T>C, p.Val157Ala (NM_001348042.3); short protein forms V111A, V157A, V202A, V80A.
Identifiers: ClinVar variation 5000010 (VCV005000010.1).